The following is an entry in ClinVar:

ClinVar aggregate classification (germline): Likely benign (1 of 4 stars; one submission).

gnomAD v4.1: 3 of 1,612,496 alleles (0.00019%); highest among the groups gnomAD compares: Non-Finnish European, 0.00025%; no homozygotes.

Submission:

Mayo Clinic Laboratories, Mayo Clinic
Classification: Likely benign. Last evaluated: 2024-12-23. Review status: criteria provided, single submitter. Criteria: ACMG Guidelines, 2015. Collection method: clinical testing. Allele origin: germline. Observed: 1 variant allele.
Comment: BP4, BP7

NM_020442.6(VARS2):c.2079A>G (p.Ala693=)

Genes: VARS2 (valyl-tRNA synthetase 2, mitochondrial; plus strand), LOC126859646 (MED14-independent group 3 enhancer GRCh37_chr6:30889690-30890889; plus strand). Cytogenetic location: 6p21.33.
Variant type: single nucleotide variant.
Coding change: c.2079A>G on transcript NM_020442.6 (MANE Select); coding-DNA position 2079, A replaced by G.
Protein change: p.Ala693=; no amino-acid change (alanine 693 retained).
Molecular consequence: synonymous variant.
Genome position (GRCh38, 1-based): chr6:30,922,747, A>G. VCF-style: chr6-30922747-A-G. GRCh37 (hg19) VCF-style: chr6-30890524-A-G.
Other names: p.Ala723=; c.1659A>G, p.Ala553= (NM_001167733.3); c.2169A>G, p.Ala723= (NM_001167734.2).
Identifiers: ClinVar variation 4684912 (VCV004684912.1).